The following is an entry in ClinVar:

NM_015338.6(ASXL1):c.4025C>T (p.Thr1342Ile)

Gene: ASXL1 (ASXL transcriptional regulator 1; plus strand). Cytogenetic location: 20q11.21.
Variant type: single nucleotide variant.
Coding change: c.4025C>T on transcript NM_015338.6 (MANE Select); coding-DNA position 4025, C replaced by T.
Protein change: p.Thr1342Ile; replaces threonine 1342 with isoleucine.
Molecular consequence: missense variant.
Genome position (GRCh38, 1-based): chr20:32,436,737, C>T. VCF-style: chr20-32436737-C-T. GRCh37 (hg19) VCF-style: chr20-31024540-C-T.
Other names: c.3842C>T, p.Thr1281Ile (NM_001363734.1); short protein forms T1281I, T1342I.
Identifiers: ClinVar variation 3791935 (VCV003791935.1).

ClinVar aggregate classification (germline): Uncertain significance (1 of 4 stars; one submission).

Conditions:
Inborn genetic diseases. Identifiers: MedGen C0950123, MeSH D030342.

gnomAD v4.1: 1 of 1,614,136 alleles (0.000062%); highest among the groups gnomAD compares: Non-Finnish European, 0.000085%; no homozygotes.

Submission:

Ambry Genetics
Classification: Uncertain significance for Inborn genetic diseases. Last evaluated: 2025-01-05. Review status: criteria provided, single submitter. Criteria: Ambry Variant Classification Scheme 2023. Collection method: clinical testing. Allele origin: germline.
Comment: The p.T1342I variant (also known as c.4025C>T), located in coding exon 13 of the ASXL1 gene, results from a C to T substitution at nucleotide position 4025. The threonine at codon 1342 is replaced by isoleucine, an amino acid with similar properties. This amino acid position is conserved. In addition, this alteration is predicted to be tolerated by in silico analysis. Based on the available evidence, the clinical significance of this variant remains unclear.